The following is an entry in ClinVar:

NM_000089.4(COL1A2):c.830G>C (p.Gly277Ala)

Gene: COL1A2 (collagen type I alpha 2 chain; plus strand). Cytogenetic location: 7q21.3.
Variant type: single nucleotide variant.
Coding change: c.830G>C on transcript NM_000089.4 (MANE Select); coding-DNA position 830, G replaced by C.
Protein change: p.Gly277Ala; replaces glycine 277 with alanine.
Molecular consequence: missense variant.
Genome position (GRCh38, 1-based): chr7:94,409,359, G>C. VCF-style: chr7-94409359-G-C. GRCh37 (hg19) VCF-style: chr7-94038671-G-C.
Other names: short protein forms G277A.
Identifiers: ClinVar variation 1349117 (VCV001349117.9), dbSNP rs752431578, ClinGen allele CA4346841.

ClinVar aggregate classification (germline): Conflicting classifications of pathogenicity. Review status: criteria provided, conflicting classifications (1 of 4 stars). 3 submissions from 3 submitters: Pathogenic (2); Uncertain significance (1). Last evaluated 2026-08-15.

Conditions:
Osteogenesis imperfecta type I (OI1). Also called: OI, TYPE I; OSTEOGENESIS IMPERFECTA TARDA; OSTEOGENESIS IMPERFECTA WITH BLUE SCLERAE; Osteogenesis imperfecta type 1; Classic Non-deforming Osteogenesis Imperfecta with Blue Sclerae; Lobstein's Disease. Identifiers: Orphanet 216796, Orphanet 666, MedGen C0023931, MONDO:0008146, OMIM 166200. Disease mechanism: loss of function.
Ehlers-Danlos syndrome, classic type, 1 (EDSCL1). Also called: EHLERS-DANLOS SYNDROME, GRAVIS TYPE; EHLERS-DANLOS SYNDROME, SEVERE CLASSIC TYPE; Ehlers-Danlos Syndrome, Classic Type, COL5A1-Related; Ehlers-Danlos syndrome, type 1; EDS I. Identifiers: MedGen C0268335, MONDO:0019567, OMIM 130000.

Allele frequency attached by ClinVar (database versions not stated): gnomAD exomes 0.00001 and 0.00004; ExAC 0.00002; TOPMed 0.00002; gnomAD 0.00003.
gnomAD v4.1: 61 of 1,613,934 alleles (0.0038%); highest among the groups gnomAD compares: Non-Finnish European, 0.005%; no homozygotes.

Submissions (3):

GeneDx
Classification: Pathogenic. Last evaluated: 2026-08-15. Review status: criteria provided, single submitter. Criteria: GeneDx Variant Classification Process June 2021. Collection method: clinical testing. Allele origin: germline.
Comment: Identified in a patient with a clinical diagnosis of hypermobile EDS in published literature; however, it is not known if other genes were analyzed (PMID: 36896471); Identified in a patient with bicuspid aortic valve, aortic regurgitation and thoracic aortic aneurysm and their two relatives in the published literature (PMID: 42157492); Occurs in the triple helical domain and replaces a glycine in a canonical Gly-X-Y repeat; missense substitution of a canonical glycine residue is expected to disrupt normal protein folding and function, and this is an established mechanism of disease (PMID: 34007986); Not observed at significant frequency in large population cohorts (gnomAD); In silico analysis supports that this missense variant has a deleterious effect on protein structure/function; This variant is associated with the following publications: (PMID: 31039433, 39226896, 36896471, 34007986, 41985044, 42157492)

Labcorp Genetics (formerly Invitae), Labcorp
Classification: Pathogenic for Osteogenesis imperfecta type I; Ehlers-Danlos syndrome, classic type, 1. Last evaluated: 2025-08-11. Review status: criteria provided, single submitter. Criteria: Invitae Variant Classification Sherloc (09022015). Collection method: clinical testing. Allele origin: germline.
Comment: This sequence change replaces glycine, which is neutral and non-polar, with alanine, which is neutral and non-polar, at codon 277 of the COL1A2 protein (p.Gly277Ala). This variant is present in population databases (rs752431578, gnomAD 0.003%). This missense change has been observed in individual(s) with clinical features of autosomal dominant osteogenesis imperfecta (internal data). ClinVar contains an entry for this variant (Variation ID: 1349117). Invitae Evidence Modeling of protein sequence and biophysical properties (such as structural, functional, and spatial information, amino acid conservation, physicochemical variation, residue mobility, and thermodynamic stability) indicates that this missense variant is expected to disrupt COL1A2 protein function with a positive predictive value of 95%. This variant disrupts the triple helix domain of COL1A2. Glycine residues within the Gly-Xaa-Yaa repeats of the triple helix domain are required for the structure and stability of fibrillar collagens (PMID: 7695699, 8218237, 19344236). In COL1A2, variants affecting these glycine residues are significantly enriched in individuals with disease (PMID: 9016532, 17078022) compared to the general population (ExAC). This variant disrupts the p.Gly277 amino acid residue in COL1A2. Other variant(s) that disrupt this residue have been observed in individuals with COL1A2-related conditions (PMID: 30715774, 30886339; internal data), which suggests that this may be a clinically significant amino acid residue. For these reasons, this variant has been classified as Pathogenic.

Blueprint Genetics
Classification: Uncertain significance. Last evaluated: 2023-10-12. Review status: criteria provided, single submitter. Criteria: ACMG Guidelines, 2015. Collection method: clinical testing. Allele origin: germline.

Literature cited by the submitters: PubMed 7695699 (cited by Labcorp Genetics (formerly Invitae), Labcorp); PubMed 8218237 (cited by Labcorp Genetics (formerly Invitae), Labcorp); PubMed 19344236 (cited by Labcorp Genetics (formerly Invitae), Labcorp); PubMed 9016532 (cited by Labcorp Genetics (formerly Invitae), Labcorp); PubMed 17078022 (cited by Labcorp Genetics (formerly Invitae), Labcorp); PubMed 30715774 (cited by Labcorp Genetics (formerly Invitae), Labcorp); PubMed 30886339 (cited by Labcorp Genetics (formerly Invitae), Labcorp).